The following is an entry in ClinVar:

ClinVar aggregate classification (germline): Uncertain significance (0 of 4 stars; one submission).

Conditions:
ZFPM2-related disorder. Also called: ZFPM2-related condition.

Allele frequency attached by ClinVar (database versions not stated): TOPMed 0.00001.

Submission:

PreventionGenetics, part of Exact Sciences
Classification: Uncertain significance for ZFPM2-related condition. Last evaluated: 2024-01-29. Review status: no assertion criteria provided. Collection method: clinical testing. Allele origin: germline.
Comment: The ZFPM2 c.3377T>A variant is predicted to result in the amino acid substitution p.Ile1126Asn. To our knowledge, this variant has not been reported in the literature. This variant is reported in 0.0029% of alleles in individuals of Latino descent in gnomAD. At this time, the clinical significance of this variant is uncertain due to the absence of conclusive functional and genetic evidence.

NM_012082.4(ZFPM2):c.3377T>A (p.Ile1126Asn)

Genes: ZFPM2 (zinc finger protein, FOG family member 2; plus strand), ZFPM2-AS1 (ZFPM2 antisense RNA 1; minus strand). Cytogenetic location: 8q23.1.
Variant type: single nucleotide variant.
Coding change: c.3377T>A on transcript NM_012082.4 (MANE Select); coding-DNA position 3377, T replaced by A.
Protein change: p.Ile1126Asn; replaces isoleucine 1126 with asparagine.
Molecular consequence: missense variant.
Genome position (GRCh38, 1-based): chr8:105,803,459, T>A. VCF-style: chr8-105803459-T-A. GRCh37 (hg19) VCF-style: chr8-106815687-T-A.
Other names: c.3218T>A, p.Ile1073Asn (NM_001362836.2); c.2981T>A, p.Ile994Asn (NM_001362837.2); short protein forms I1073N, I1126N, I994N.
Identifiers: ClinVar variation 2631095 (VCV002631095.3), dbSNP rs757992625, ClinGen allele CA371957318.